The following is an entry in ClinVar:

ClinVar aggregate classification (germline): Likely pathogenic. Review status: criteria provided, single submitter (1 of 4 stars). 2 submissions from 2 submitters: Likely pathogenic (1). 1 of the submissions does not count toward it. Last evaluated 2023-08-15.

Conditions:
P5CS deficiency. Identifiers: MedGen CN294786, MONDO:0100126.
Hereditary spastic paraplegia 9A. Also called: SPASTIC PARAPLEGIA 9A, AUTOSOMAL DOMINANT; CATARACTS WITH MOTOR NEURONOPATHY, SHORT STATURE, AND SKELETAL ABNORMALITIES; SPASTIC PARAPARESIS WITH AMYOTROPHY, CATARACTS, AND GASTROESOPHAGEAL REFLUX. Identifiers: Orphanet 100990, Orphanet 447753, MedGen C5568978, MONDO:0011006, OMIM 601162.

Submissions (2):

Illumina Laboratory Services, Illumina
Classification: Likely pathogenic for P5CS deficiency. Last evaluated: 2023-08-15. Review status: criteria provided, single submitter. Criteria: ICSLVariantClassificationCriteria RUGD 01 April 2020. Collection method: clinical testing. Allele origin: unknown.
Comment: The ALDH18A1 c.727G>C (p.Val243Leu) missense variant has been reported in a heterozygous state in one family with a phenotype which included bilateral cataracts, gastroesophageal reflux with persistent vomiting, and spastic paraparesis with amyotrophy (PMID:26297558). The variant segregated with disease in eleven affected family members over three generations and was absent in all unaffected members tested. Functional studies with recombinant p.Val243Leu variant protein demonstrated that the enzyme activity was reduced compared to wild type (PMID:26297558). In addition, the p.Val243 residue lies in the glutamate-5-kinase domain and is predicted by modelling to reside within the catalytic region (PMID:26297558). This variant is not observed in version 2.1.1 or version 3.1.2 of the Genome Aggregation Database. Based on the available evidence, the c.727G>C (p.Val243Leu) is classified as likely pathogenic for P5CS deficiency.

OMIM
Classification: Pathogenic for SPASTIC PARAPLEGIA 9A, AUTOSOMAL DOMINANT. Last evaluated: 2015-08-21. Review status: no assertion criteria provided. Collection method: literature only. Allele origin: germline. Not counted in ClinVar's aggregate classification.

Literature cited by the submitters: PubMed 26297558 (cited by Illumina Laboratory Services, Illumina and OMIM); PubMed 9973297 (cited by OMIM).

NM_002860.4(ALDH18A1):c.727G>C (p.Val243Leu)

Gene: ALDH18A1 (aldehyde dehydrogenase 18 family member A1; minus strand). Cytogenetic location: 10q24.1.
Variant type: single nucleotide variant.
Coding change: c.727G>C on transcript NM_002860.4 (MANE Select); coding-DNA position 727, G replaced by C.
Protein change: p.Val243Leu; replaces valine 243 with leucine.
Molecular consequence: missense variant.
Genome position (GRCh38, 1-based): chr10:95,633,040, C>G on the plus strand (G>C on the coding strand, the complement: ALDH18A1 is on the minus strand). VCF-style: chr10-95633040-C-G. GRCh37 (hg19) VCF-style: chr10-97392797-C-G.
Other names: c.721G>C, p.Val241Leu (NM_001017423.2, NM_001323415.2); c.394G>C, p.Val132Leu (NM_001323412.2, NM_001323416.2); c.727G>C, p.Val243Leu (NM_001323413.2, NM_001323414.2); c.622G>C, p.Val208Leu (NM_001323417.2); c.388G>C, p.Val130Leu (NM_001323418.2); c.91G>C, p.Val31Leu (NM_001323419.2); short protein forms V243L, V31L, V130L, V132L, V208L, V241L.
Identifiers: ClinVar variation 217116 (VCV000217116.3), dbSNP rs864321669, ClinGen allele CA347465.